The following is an entry in ClinVar:

ClinVar aggregate classification (germline): Likely pathogenic (1 of 4 stars; one submission).

Conditions:
Lynch syndrome 4 (LYNCH4). Also called: Hereditary non-polyposis colorectal cancer, type 4; Colorectal cancer, hereditary nonpolyposis, type 4. Identifiers: Orphanet 144, MedGen C1838333, MONDO:0013699, OMIM 614337. Disease mechanism: loss of function.

Submission:

Institute of Human Genetics, University of Goettingen
Classification: Likely pathogenic for Lynch syndrome 4. Last evaluated: 2024-06-28. Review status: criteria provided, single submitter. Criteria: ACMG Guidelines, 2015. Collection method: clinical testing. Allele origin: unknown. Inheritance: Autosomal dominant inheritance. Affected: yes. Observed: 1 heterozygote.
Comment: The variant c.2233del (p.(Ile745Tyrfs*23)) in exon 13 of the PMS2 gene is not found in the gnomAD database and it creates a frame shift starting at codon Ile745. The new reading frame ends in a STOP codon at position 23. Frameshift variants leading to a loss of function of PMS2 protein are a known mechanism of disease. ACMG criteria used for classification: PVS1, PM2_sup.

NM_000535.7(PMS2):c.2233del (p.Ile745fs)

Gene: PMS2 (PMS1 homolog 2, mismatch repair system component; minus strand). Cytogenetic location: 7p22.1.
Variant type: Deletion.
Coding change: c.2233del on transcript NM_000535.7 (MANE Select); coding-DNA position 2233, one base deleted (A; older notation c.2233delA).
Protein change: p.Ile745fs; shifts the reading frame from isoleucine 745.
Molecular consequence: frameshift variant. On other transcripts: non-coding transcript variant (1), intron variant (2).
Genome position (GRCh38, 1-based): chr7:5,978,638, T deleted on the plus strand (A on the coding strand, the reverse complement: PMS2 is on the minus strand); the first of 3 consecutive T bases (chr7:5,978,638-5,978,640); deleting any one gives the same sequence. VCF-style (leftmost placement, unchanged base first): chr7-5978637-AT-A. GRCh37 (hg19) VCF-style: chr7-6018268-AT-A.
Other names: c.1826delA, p.Ile610Tyrfs (NM_001018040.1); c.1828del, p.Ile610fs (NM_001322003.2, NM_001322004.2, NM_001322005.2 and 14 more transcripts); c.2077del, p.Ile693fs (NM_001322006.2, NM_001406870.1); c.1915del, p.Ile639fs (NM_001322007.2, NM_001322008.2, NM_001406876.1 and 1 more transcripts); c.1672del, p.Ile558fs (NM_001322010.2, NM_001406906.1, NM_001406907.1); c.1300del, p.Ile434fs (NM_001322011.2, NM_001322012.2); c.1660del, p.Ile554fs (NM_001322013.2, NM_001406908.1, NM_001406909.1); c.2233del, p.Ile745fs (NM_001322014.2); and 17 more; short protein forms I344fs, I434fs, I488fs, I554fs, I558fs, I574fs, I583fs, I587fs.
Identifiers: ClinVar variation 3248529 (VCV003248529.2), dbSNP rs2535392017.